The following is an entry in ClinVar:

NM_003924.4(PHOX2B):c.430-3C>T

Gene: PHOX2B (paired like homeobox 2B; minus strand). Cytogenetic location: 4p13.
Variant type: single nucleotide variant.
Coding change: c.430-3C>T on transcript NM_003924.4 (MANE Select); 3 bases into the intron before coding-DNA position 430, C replaced by T.
Molecular consequence: intron variant.
Genome position (GRCh38, 1-based): chr4:41,746,325, G>A on the plus strand (C>T on the coding strand, the complement: PHOX2B is on the minus strand). VCF-style: chr4-41746325-G-A. GRCh37 (hg19) VCF-style: chr4-41748342-G-A.
Identifiers: ClinVar variation 2065084 (VCV002065084.4), dbSNP rs2552096910, ClinGen allele CA2580071018.

ClinVar aggregate classification (germline): Uncertain significance (1 of 4 stars; one submission).

Conditions:
Haddad syndrome (OHD). Also called: Ondine-Hirschsprung disease. Identifiers: Orphanet 99803, MedGen C1859049, MONDO:0020493.

Allele frequency attached by ClinVar (database versions not stated): gnomAD exomes below 0.00001.

Submission:

Labcorp Genetics (formerly Invitae), Labcorp
Classification: Uncertain significance for Haddad syndrome. Last evaluated: 2022-09-23. Review status: criteria provided, single submitter. Criteria: Invitae Variant Classification Sherloc (09022015). Collection method: clinical testing. Allele origin: germline.
Comment: This sequence change falls in intron 2 of the PHOX2B gene. It does not directly change the encoded amino acid sequence of the PHOX2B protein. It affects a nucleotide within the consensus splice site. This variant is not present in population databases (gnomAD no frequency). This variant has not been reported in the literature in individuals affected with PHOX2B-related conditions. Variants that disrupt the consensus splice site are a relatively common cause of aberrant splicing (PMID: 17576681, 9536098). Algorithms developed to predict the effect of sequence changes on RNA splicing suggest that this variant is not likely to affect RNA splicing. In summary, the available evidence is currently insufficient to determine the role of this variant in disease. Therefore, it has been classified as a Variant of Uncertain Significance.

Literature cited by the submitters: PubMed 17576681; PubMed 9536098.